The following is an entry in ClinVar:

ClinVar aggregate classification (germline): Pathogenic/Likely pathogenic. Review status: criteria provided, multiple submitters, no conflicts (2 of 4 stars). 3 submissions from 3 submitters: Pathogenic (2); Likely pathogenic (1). Last evaluated 2025-11-16.

Conditions:
Vitamin D-dependent rickets, type 1A. Also called: VITAMIN D HYDROXYLATION-DEFICIENT RICKETS, TYPE 1A; PDDR IA; PSEUDOVITAMIN D-DEFICIENCY RICKETS, TYPE IA. Identifiers: MedGen CN283242, MONDO:0020723, OMIM 264700.

Allele frequency attached by ClinVar (database versions not stated): gnomAD 0.00003 and 0.00001; TOPMed 0.00003.
gnomAD v4.1: 18 of 1,614,218 alleles (0.0011%); highest among the groups gnomAD compares: East Asian, 0.013%; no homozygotes.

Submissions (3):

Labcorp Genetics (formerly Invitae), Labcorp
Classification: Pathogenic. Last evaluated: 2025-11-16. Review status: criteria provided, single submitter. Criteria: Invitae Variant Classification Sherloc (09022015). Collection method: clinical testing. Allele origin: germline.
Comment: This sequence change replaces glycine, which is neutral and non-polar, with valine, which is neutral and non-polar, at codon 57 of the CYP27B1 protein (p.Gly57Val). This variant is present in population databases (rs376304260, gnomAD 0.03%). This missense change has been observed in individual(s) with vitamin D-dependent rickets, type I (PMID: 22588163). In at least one individual the data is consistent with being in trans (on the opposite chromosome) from a pathogenic variant. ClinVar contains an entry for this variant (Variation ID: 1457495). Invitae Evidence Modeling of protein sequence and biophysical properties (such as structural, functional, and spatial information, amino acid conservation, physicochemical variation, residue mobility, and thermodynamic stability) indicates that this missense variant is expected to disrupt CYP27B1 protein function with a positive predictive value of 95%. For these reasons, this variant has been classified as Pathogenic.

Myriad Genetics, Inc.
Classification: Likely pathogenic for Vitamin D-dependent rickets, type 1A. Last evaluated: 2025-04-08. Review status: criteria provided, single submitter. Criteria: Myriad Autosomal Dominant, Autosomal Recessive and X-Linked Classification Criteria (2023). Collection method: clinical testing. Allele origin: unknown.
Comment: NM_000785.3(CYP27B1):c.170G>T(G57V) is a missense variant classified as likely pathogenic in the context of vitamin D-dependent rickets, CYP27B1-related. G57V has been observed in cases with relevant disease (PMID: 22588163, 36405822). Relevant functional assessments of this variant are not available in the literature. G57V has been observed in referenced population frequency databases. In summary, NM_000785.3(CYP27B1):c.170G>T(G57V) is a missense variant that has been observed more frequently in cases with the relevant disease than in healthy populations. Please note: this variant was assessed in the context of healthy population screening.

Juno Genomics, Hangzhou Juno Genomics, Inc
Classification: Pathogenic for Vitamin D-dependent rickets, type 1A. Review status: criteria provided, single submitter. Criteria: ACMG Guidelines, 2015. Collection method: clinical testing. Allele origin: germline.
Comment: Absent from controls (or at extremely low frequency if recessive) in Genome Aggregation Database.;For recessive disorders, detected in trans with a pathogenic variant.;Well-established in vitro or in vivo functional studies supportive of a damaging effect on the gene or gene product.

Literature cited by the submitters: PubMed 22588163 (cited by Labcorp Genetics (formerly Invitae), Labcorp and Myriad Genetics, Inc.); PubMed 36405822 (cited by Myriad Genetics, Inc.).

NM_000785.4(CYP27B1):c.170G>T (p.Gly57Val)

Gene: CYP27B1 (cytochrome P450 family 27 subfamily B member 1; minus strand). Cytogenetic location: 12q14.1.
Variant type: single nucleotide variant.
Coding change: c.170G>T on transcript NM_000785.4 (MANE Select); coding-DNA position 170, G replaced by T.
Protein change: p.Gly57Val; replaces glycine 57 with valine.
Molecular consequence: missense variant.
Genome position (GRCh38, 1-based): chr12:57,766,872, C>A on the plus strand (G>T on the coding strand, the complement: CYP27B1 is on the minus strand). VCF-style: chr12-57766872-C-A. GRCh37 (hg19) VCF-style: chr12-58160655-C-A.
Other names: short protein forms G57V.
Identifiers: ClinVar variation 1457495 (VCV001457495.12), dbSNP rs376304260, ClinGen allele CA6658526.